The following is an entry in ClinVar:

ClinVar aggregate classification (germline): Uncertain significance (1 of 4 stars; one submission).

Conditions:
PRPH2-related disorder. Also called: PRPH2-related disorders; PRPH2-related condition. Identifiers: MedGen CN239395.

gnomAD v4.1: 1 of 1,614,076 alleles (0.000062%); highest among the groups gnomAD compares: African/African-American, 0.0013%; no homozygotes.

Submission:

Labcorp Genetics (formerly Invitae), Labcorp
Classification: Uncertain significance for PRPH2-related disorder. Last evaluated: 2024-12-30. Review status: criteria provided, single submitter. Criteria: Invitae Variant Classification Sherloc (09022015). Collection method: clinical testing. Allele origin: germline.
Comment: This sequence change replaces lysine, which is basic and polar, with asparagine, which is neutral and polar, at codon 154 of the PRPH2 protein (p.Lys154Asn). This variant is not present in population databases (gnomAD no frequency). This missense change has been observed in individual(s) with cone-rod dystrophy (internal data). Invitae Evidence Modeling of protein sequence and biophysical properties (such as structural, functional, and spatial information, amino acid conservation, physicochemical variation, residue mobility, and thermodynamic stability) has been performed for this missense variant. However, the output from this modeling did not meet the statistical confidence thresholds required to predict the impact of this variant on PRPH2 protein function. This variant disrupts the p.Lys154 amino acid residue in PRPH2. Other variant(s) that disrupt this residue have been observed in individuals with PRPH2-related conditions (PMID: 26161267; internal data), which suggests that this may be a clinically significant amino acid residue. In summary, the available evidence is currently insufficient to determine the role of this variant in disease. Therefore, it has been classified as a Variant of Uncertain Significance.

Literature cited by the submitters: PubMed 26161267.

NM_000322.5(PRPH2):c.462G>C (p.Lys154Asn)

Gene: PRPH2 (peripherin 2; minus strand). Cytogenetic location: 6p21.1.
Variant type: single nucleotide variant.
Coding change: c.462G>C on transcript NM_000322.5 (MANE Select); coding-DNA position 462, G replaced by C.
Protein change: p.Lys154Asn; replaces lysine 154 with asparagine.
Molecular consequence: missense variant.
Genome position (GRCh38, 1-based): chr6:42,721,873, C>G on the plus strand (G>C on the coding strand, the complement: PRPH2 is on the minus strand). VCF-style: chr6-42721873-C-G. GRCh37 (hg19) VCF-style: chr6-42689611-C-G.
Other names: short protein forms K154N.
Identifiers: ClinVar variation 3718042 (VCV003718042.2).